The following is an entry in ClinVar:

ClinVar aggregate classification (germline): Benign. Review status: criteria provided, multiple submitters, no conflicts (2 of 4 stars). 3 submissions from 2 submitters: Benign (3). Last evaluated 2018-01-13.

Conditions:
Junctional epidermolysis bullosa gravis of Herlitz. Also called: EPIDERMOLYSIS BULLOSA JUNCTIONALIS, HERLITZ TYPE; EPIDERMOLYSIS BULLOSA, JUNCTIONAL, HERLITZ-PEARSON TYPE; JEB-HERLITZ TYPE; Epidermolysis Bullosa Letalis; Herlitz-type junctional epidermolysis bullosa; EPIDERMOLYSIS BULLOSA, JUNCTIONAL 1B, SEVERE. Identifiers: Orphanet 79404, MedGen C0079683, MONDO:0009182, OMIM 226700.
Laryngo-onycho-cutaneous syndrome (JEB2C). Also called: LOGIC SYNDROME; EPIDERMOLYSIS BULLOSA, JUNCTIONAL 2C, LARYNGOONYCHOCUTANEOUS; SHABBIR SYNDROME. Identifiers: Orphanet 2407, MedGen C1328355, MONDO:0009513, OMIM 245660.

Allele frequency attached by ClinVar (database versions not stated): 1000 Genomes Project 0.00958; 1000 Genomes Project 30x 0.00984; gnomAD 0.01494; TOPMed 0.01581; gnomAD exomes 0.01988.
gnomAD v4.1: 9,484 of 512,326 alleles (1.9%); highest among the groups gnomAD compares: Middle Eastern, 3.4%; 125 homozygotes.

Submissions (3):

Illumina Laboratory Services, Illumina
Classification: Benign for Laryngo-onycho-cutaneous syndrome. Last evaluated: 2018-01-13. Review status: criteria provided, single submitter. Criteria: ICSL Variant Classification Criteria 13 December 2019. Collection method: clinical testing. Allele origin: germline.
Comment: This variant was observed in the ICSL laboratory as part of a predisposition screen in an ostensibly healthy population. It had not been previously curated by ICSL or reported in the Human Gene Mutation Database (HGMD: prior to June 1st, 2018), and was therefore a candidate for classification through an automated scoring system. Utilizing variant allele frequency, disease prevalence and penetrance estimates, and inheritance mode, an automated score was calculated to assess if this variant is too frequent to cause the disease. Based on the score and internal cut-off values, a variant classified as benign is not then subjected to further curation. The score for this variant resulted in a classification of benign for this disease.

Illumina Laboratory Services, Illumina
Classification: Benign for Junctional epidermolysis bullosa gravis of Herlitz. Last evaluated: 2018-01-13. Review status: criteria provided, single submitter. Criteria: ICSL Variant Classification Criteria 13 December 2019. Collection method: clinical testing. Allele origin: germline.
Comment: the same text as in the submission from Illumina Laboratory Services, Illumina above.

Breakthrough Genomics
Classification: Benign. Review status: criteria provided, single submitter. Criteria: ACMG Guidelines, 2015. Collection method: not provided. Allele origin: germline. Inheritance: Autosomal recessive inheritance. Affected: yes.

NM_198129.4(LAMA3):c.*239G>A

Gene: LAMA3 (laminin subunit alpha 3; plus strand). Cytogenetic location: 18q11.2.
Variant type: single nucleotide variant.
Coding change: c.*239G>A on transcript NM_198129.4 (MANE Select); 239 bases downstream of the stop codon, G replaced by A.
Molecular consequence: 3 prime UTR variant.
Genome position (GRCh38, 1-based): chr18:23,954,887, G>A. VCF-style: chr18-23954887-G-A. GRCh37 (hg19) VCF-style: chr18-21534851-G-A.
Other names: c.*239G>A (NM_000227.6, NM_001127717.4, NM_001127718.4).
Identifiers: ClinVar variation 326355 (VCV000326355.6), dbSNP rs45543834, ClinGen allele CA10647340.